The following is an entry in ClinVar:

ClinVar aggregate classification (germline): Uncertain significance (1 of 4 stars; one submission).

Submission:

Ambry Genetics
Classification: Uncertain significance. Last evaluated: 2025-11-09. Review status: criteria provided, single submitter. Criteria: Ambry Variant Classification Scheme 2023. Collection method: clinical testing. Allele origin: germline.
Comment: The p.D379V variant (also known as c.1136A>T), located in coding exon 9 of the RECQL gene, results from an A to T substitution at nucleotide position 1136. The aspartic acid at codon 379 is replaced by valine, an amino acid with highly dissimilar properties. This amino acid position is conserved. In addition, this alteration is predicted to be deleterious by in silico analysis. Based on the available evidence, the clinical significance of this variant remains unclear.

NM_002907.4(RECQL):c.1136A>T (p.Asp379Val)

Gene: RECQL (RecQ like helicase; minus strand). Cytogenetic location: 12p12.1.
Variant type: single nucleotide variant.
Coding change: c.1136A>T on transcript NM_002907.4 (MANE Select); coding-DNA position 1136, A replaced by T.
Protein change: p.Asp379Val; replaces aspartic acid 379 with valine.
Molecular consequence: missense variant.
Genome position (GRCh38, 1-based): chr12:21,475,548, T>A on the plus strand (A>T on the coding strand, the complement: RECQL is on the minus strand). VCF-style: chr12-21475548-T-A. GRCh37 (hg19) VCF-style: chr12-21628482-T-A.
Other names: c.1136A>T, p.Asp379Val (NM_032941.3); short protein forms D379V.
Identifiers: ClinVar variation 4576948 (VCV004576948.1).
Genomic context (GRCh38, chr12:21,475,548, plus strand): 5'-TAATAATTTTCCATGGATTTACTCATTGAATGATGGATAACAAACCTCACATCTGGCTTA[T>A]CAATTCCCATACCAAATGCAACAGTTGCCACTACTACCTGAAATATTTTAACATTTTATC-3'
Protein context (NP_002898.2, residues 369-389): VATVAFGMGI[Asp379Val]KPDVRFVIHH